The following is an entry in ClinVar:

ClinVar aggregate classification (germline): Uncertain significance (1 of 4 stars; one submission).

Conditions:
Dystonia 30. Identifiers: MedGen C5543312, MONDO:0025691, OMIM 619291.

Submission:

Neuberg Centre For Genomic Medicine, NCGM
Classification: Uncertain significance for Dystonia 30. Last evaluated: 2023-05-20. Review status: criteria provided, single submitter. Criteria: ACMG Guidelines, 2015. Collection method: clinical testing. Allele origin: germline. Inheritance: Autosomal dominant inheritance. Affected: yes.
Comment: The missense c.722G>A (p.Gly241Asp) variant in the VPS16 gene has not been reported previously as a pathogenic variant nor as a benign variant, to our knowledge. This variant is absent in the gnomAD Exomes. The amino acid Glycine at position 241 is changed to a Aspartic acid changing protein sequence and it might alter its composition and physico-chemical properties. Multiple lines of computational evidence (Polyphen - Probably damaging, SIFT – Damaging and MutationTaster - Disease causing) predict a damaging effect on protein structure and function for this variant. The amino acid Glycine in VPS16 is predicted as conserved by GERP++ and PhyloP across 100 vertebrates. For these reasons, this variant has been classified as Uncertain Significance.

NM_022575.4(VPS16):c.722G>A (p.Gly241Asp)

Gene: VPS16 (VPS16 core subunit of CORVET and HOPS complexes; plus strand). Cytogenetic location: 20p13.
Variant type: single nucleotide variant.
Coding change: c.722G>A on transcript NM_022575.4 (MANE Select); coding-DNA position 722, G replaced by A.
Protein change: p.Gly241Asp; replaces glycine 241 with aspartic acid.
Molecular consequence: missense variant.
Genome position (GRCh38, 1-based): chr20:2,861,061, G>A. VCF-style: chr20-2861061-G-A. GRCh37 (hg19) VCF-style: chr20-2841707-G-A.
Other names: c.722G>A, p.Gly241Asp (NM_080413.3); short protein forms G241D.
Identifiers: ClinVar variation 3362381 (VCV003362381.3).